The following is an entry in ClinVar:

NM_001042492.3(NF1):c.3497-8_3505del

Gene: NF1 (neurofibromin 1; plus strand). Cytogenetic location: 17q11.2.
Variant type: Deletion.
Coding change: c.3497-8_3505del on transcript NM_001042492.3 (MANE Select); 8 bases into the intron before coding-DNA position 3497 through coding-DNA position 3505, 17 bases deleted (CACATTAGGCTTAGGTT).
Molecular consequence: splice acceptor variant.
Genome position (GRCh38, 1-based): chr17:31,232,994-31,233,010, CACATTAGGCTTAGGTT deleted. VCF-style (leftmost placement, unchanged base first): chr17-31232993-CCACATTAGGCTTAGGTT-C. GRCh37 (hg19) VCF-style: chr17-29560011-CCACATTAGGCTTAGGTT-C.
Other names: c.3497-8_3505del (NM_000267.4).
Identifiers: ClinVar variation 5025665 (VCV005025665.1).

ClinVar aggregate classification (germline): Likely pathogenic (1 of 4 stars; one submission).

Conditions:
Cardiovascular phenotype. Identifiers: MedGen CN230736.
Hereditary cancer-predisposing syndrome. Also called: Neoplastic Syndromes, Hereditary; Tumor predisposition; Hereditary neoplastic syndrome; Hereditary Cancer Syndrome. Identifiers: Orphanet 140162, MedGen C0027672, MeSH D009386, MONDO:0015356.

Submission:

Ambry Genetics
Classification: Likely pathogenic for Cardiovascular phenotype; Hereditary cancer-predisposing syndrome. Last evaluated: 2026-09-10. Review status: criteria provided, single submitter. Criteria: Ambry Variant Classification Scheme 2023. Collection method: clinical testing. Allele origin: germline.
Comment: The c.3497-8_3505del17 variant results from a deletion of 17 nucleotides between positions c.3497-8 and c.3505 and involves the canonical splice acceptor site before coding exon 27 of the NF1 gene. This variant was reported in individual(s) with features consistent with neurofibromatosis type 1 (NF1) (Ambry internal data). This variant is considered to be rare based on population cohorts in the Genome Aggregation Database (gnomAD). The canonical splice acceptor site is highly conserved in available vertebrate species. In silico splice site analysis predicts that this alteration will weaken the native splice acceptor site. The exact impact of this deletion on splicing and function is currently unknown. Variants that disrupt the canonical splice site are expected to cause aberrant splicing, resulting in an abnormal protein or a transcript that is subject to nonsense-mediated mRNA decay. As such, this variant is classified as likely pathogenic.